The following is an entry in ClinVar:

NM_000234.3(LIG1):c.1387C>T (p.Leu463Phe)

Gene: LIG1 (DNA ligase 1; minus strand). Cytogenetic location: 19q13.33.
Variant type: single nucleotide variant.
Coding change: c.1387C>T on transcript NM_000234.3 (MANE Select); coding-DNA position 1387, C replaced by T.
Protein change: p.Leu463Phe; replaces leucine 463 with phenylalanine.
Molecular consequence: missense variant. On other transcripts: non-coding transcript variant (6).
Genome position (GRCh38, 1-based): chr19:48,136,070, G>A on the plus strand (C>T on the coding strand, the complement: LIG1 is on the minus strand). VCF-style: chr19-48136070-G-A. GRCh37 (hg19) VCF-style: chr19-48639327-G-A.
Other names: c.1294C>T, p.Leu432Phe (NM_001289063.2); c.1183C>T, p.Leu395Phe (NM_001289064.2); c.1384C>T, p.Leu462Phe (NM_001320970.2); c.1297C>T, p.Leu433Phe (NM_001320971.2); short protein forms L432F, L395F, L462F, L463F, L433F.
Identifiers: ClinVar variation 1388453 (VCV001388453.6), dbSNP rs939735617, ClinGen allele CA309295476.

ClinVar aggregate classification (germline): Uncertain significance (1 of 4 stars; one submission).

gnomAD v4.1: 1 of 1,572,378 alleles (0.000064%); highest among the groups gnomAD compares: Non-Finnish European, 0.000086%; no homozygotes.

Submission:

Labcorp Genetics (formerly Invitae), Labcorp
Classification: Uncertain significance. Last evaluated: 2025-12-24. Review status: criteria provided, single submitter. Criteria: Invitae Variant Classification Sherloc (09022015). Collection method: clinical testing. Allele origin: germline.
Comment: This sequence change replaces leucine, which is neutral and non-polar, with phenylalanine, which is neutral and non-polar, at codon 463 of the LIG1 protein (p.Leu463Phe). This variant is not present in population databases (gnomAD no frequency). This variant has not been reported in the literature in individuals affected with LIG1-related conditions. ClinVar contains an entry for this variant (Variation ID: 1388453). An algorithm developed to predict the effect of missense changes on protein structure and function (PolyPhen-2) suggests that this variant is likely to be disruptive. In summary, the available evidence is currently insufficient to determine the role of this variant in disease. Therefore, it has been classified as a Variant of Uncertain Significance.